The following is an entry in ClinVar:

NM_206933.4(USH2A):c.8338G>A (p.Val2780Ile)

Gene: USH2A (usherin; minus strand). Cytogenetic location: 1q41.
Variant type: single nucleotide variant.
Coding change: c.8338G>A on transcript NM_206933.4 (MANE Select); coding-DNA position 8338, G replaced by A.
Protein change: p.Val2780Ile; replaces valine 2780 with isoleucine.
Molecular consequence: missense variant.
Genome position (GRCh38, 1-based): chr1:215,878,984, C>T on the plus strand (G>A on the coding strand, the complement: USH2A is on the minus strand). VCF-style: chr1-215878984-C-T. GRCh37 (hg19) VCF-style: chr1-216052326-C-T.
Other names: short protein forms V2780I.
Identifiers: ClinVar variation 4075536 (VCV004075536.1).

ClinVar aggregate classification (germline): Uncertain significance (1 of 4 stars; one submission).

gnomAD v4.1: 1 of 1,614,074 alleles (0.000062%); highest among the groups gnomAD compares: Non-Finnish European, 0.000085%; no homozygotes.

Submission:

GeneDx
Classification: Uncertain significance. Last evaluated: 2025-02-18. Review status: criteria provided, single submitter. Criteria: GeneDx Variant Classification Process June 2021. Collection method: clinical testing. Allele origin: germline. Affected: yes.
Comment: Not observed at significant frequency in large population cohorts (gnomAD); In silico analysis indicates that this missense variant does not alter protein structure/function; Has not been previously published as pathogenic or benign to our knowledge